The following is an entry in ClinVar:

NM_006031.6(PCNT):c.9099+4A>T

Gene: PCNT (pericentrin; plus strand). Cytogenetic location: 21q22.3.
Variant type: single nucleotide variant.
Coding change: c.9099+4A>T on transcript NM_006031.6 (MANE Select); 4 bases into the intron after coding-DNA position 9099, A replaced by T.
Molecular consequence: intron variant.
Genome position (GRCh38, 1-based): chr21:46,437,085, A>T. VCF-style: chr21-46437085-A-T. GRCh37 (hg19) VCF-style: chr21-47856998-A-T.
Other names: c.8508+4A>T (NM_001315529.2).
Identifiers: ClinVar variation 4994050 (VCV004994050.1).

ClinVar aggregate classification (germline): Uncertain significance (1 of 4 stars; one submission).

Conditions:
PCNT-related disorder. Also called: PCNT-related condition.

gnomAD v4.1: 24 of 1,608,450 alleles (0.0015%); highest among the groups gnomAD compares: Non-Finnish European, 0.0019%; no homozygotes.

Submission:

PreventionGenetics, part of Exact Sciences
Classification: Uncertain significance for PCNT-related condition. Last evaluated: 2025-08-30. Review status: criteria provided, single submitter. Criteria: ACMG Guidelines, 2015. Collection method: clinical testing. Allele origin: germline.
Comment: The PCNT c.9099+4A>T variant is predicted to interfere with splicing. To our knowledge, this variant has not been reported in the literature. This variant has been reported in 1 heterozygous individual within the ‘other’ subpopulation in gnomAD. This variant is predicted to alter splicing based on available splicing prediction programs (SpliceAI, Jaganathan et al. 2019. PubMed ID: 30661751). However, the use of computer prediction programs is not equivalent to functional evidence. At this time, the clinical significance of this variant is uncertain due to the absence of conclusive functional and genetic evidence.